The following is an entry in ClinVar:

ClinVar aggregate classification (germline): Conflicting classifications of pathogenicity. Review status: criteria provided, conflicting classifications (1 of 4 stars). 11 submissions from 11 submitters: Uncertain significance (2); Benign (1); Likely benign (5). 3 of the submissions do not count toward it. Last evaluated 2026-01-01.

Conditions:
ATM-related disorder. Also called: ATM-related disorders; ATM-related condition.
Hereditary cancer-predisposing syndrome. Also called: Tumor predisposition; Hereditary Cancer Syndrome; Neoplastic Syndromes, Hereditary; Hereditary neoplastic syndrome. Identifiers: Orphanet 140162, MedGen C0027672, MeSH D009386, MONDO:0015356.
Ataxia-telangiectasia syndrome (AT). Also called: Cerebello-oculocutaneous telangiectasia; Immunodeficiency with ataxia telangiectasia; Ataxia telangiectasia (A-T); LOUIS-BAR SYNDROME; ATAXIA-TELANGIECTASIA, COMPLEMENTATION GROUP A; ATAXIA-TELANGIECTASIA, FRESNO VARIANT. Identifiers: Orphanet 100, MedGen C0004135, MONDO:0008840, OMIM 208900.
Malignant tumor of breast. Also called: Malignant breast neoplasm; Cancer breast. Identifiers: MedGen C0006142, MONDO:0007254. Disease mechanism: loss of function.

Allele frequency attached by ClinVar (database versions not stated): gnomAD below 0.00001 and 0.00003; TOPMed 0.00002; gnomAD exomes 0.00010 and 0.00020; ExAC 0.00030.
gnomAD v4.1: 139 of 1,611,668 alleles (0.0086%); highest among the groups gnomAD compares: South Asian, 0.15%; 2 homozygotes.

Submissions (11):

Labcorp Genetics (formerly Invitae), Labcorp
Classification: Benign for Ataxia-telangiectasia syndrome. Last evaluated: 2026-01-01. Review status: criteria provided, single submitter. Criteria: Invitae Variant Classification Sherloc (09022015). Collection method: clinical testing. Allele origin: germline.

Center for Genomic Medicine, Rigshospitalet, Copenhagen University Hospital
Classification: Likely benign. Last evaluated: 2025-03-04. Review status: criteria provided, single submitter. Criteria: ACMG Guidelines, 2015. Collection method: clinical testing. Allele origin: germline.

Sema4
Classification: Likely benign for Hereditary cancer-predisposing syndrome. Last evaluated: 2021-09-16. Review status: criteria provided, single submitter. Criteria: Sema4 Curation Guidelines. Collection method: curation. Allele origin: germline.

Ambry Genetics
Classification: Likely benign for Hereditary cancer-predisposing syndrome. Last evaluated: 2020-12-01. Review status: criteria provided, single submitter. Criteria: Ambry Variant Classification Scheme 2023. Collection method: clinical testing. Allele origin: germline.

GeneDx
Classification: Uncertain significance. Last evaluated: 2018-07-06. Review status: criteria provided, single submitter. Criteria: GeneDx Variant Classification (06012015). Collection method: clinical testing. Allele origin: germline. Affected: yes.
Comment: This variant is denoted ATM c.5675-4T>A or IVS37-4T>A and consists of a T>A nucleotide substitution at the -4 position of intron 37 of the ATM gene. In silico analyses, which include splice predictors and evolutionary conservation, are inconsistent in their assessment as to whether or not the variant is damaging.? This variant has not, to our knowledge, been published in the literature as a pathogenic or benign germline variant. This variant was observed at an allele frequency of 0.15% (47/30,736) in individuals of South Asian ancestry in large population cohorts (Lek 2016). Based on currently available evidence, it is unclear whether ATM c.5675-4T>A is a pathogenic or benign variant. We consider it to be a variant of uncertain significance.

Illumina Laboratory Services, Illumina
Classification: Uncertain significance for Ataxia-telangiectasia syndrome. Last evaluated: 2018-01-13. Review status: criteria provided, single submitter. Criteria: ICSL Variant Classification Criteria 13 December 2019. Collection method: clinical testing. Allele origin: germline.

Women's Health and Genetics/Laboratory Corporation of America, LabCorp
Classification: Likely benign. Last evaluated: 2016-09-30. Review status: criteria provided, single submitter. Criteria: LabCorp Variant Classification Summary - May 2015. Collection method: clinical testing. Allele origin: germline.
Comment: Variant summary: The ATM c.5675-4T>A variant involves the alteration of a non-conserved intronic nucleotide with 4/5 splice prediction tools predicting no significant impact on normal splicing and ESE finder predicting the creation of an ESE binding site, however, these predictions have yet to be functionally assessed. The variant of interest has been observed in the large, broad control population, ExAC, with an allele frequency of 35/116558 (1/3330, 1 homozygote), predominantly in the South Asian cohort, 33/15866 (1/480), which exceeds the estimated maximal expected allele frequency for a pathogenic ATM variant of 1/999. Therefore, suggesting the variant is a common polymorphism found in population(s) of South Asian origin. The variant of interest, to our knowledge, has not been reported in affected individuals via publications, however, clinical diagnostic laboratories have cited the variant as "likely benign" or "uncertain significance." Therefore, the variant of interest has been classified as Likely Benign.

Color Diagnostics, LLC DBA Color Health
Classification: Likely benign for Hereditary cancer-predisposing syndrome. Last evaluated: 2015-06-09. Review status: criteria provided, single submitter. Criteria: ACMG Guidelines, 2015. Collection method: clinical testing. Allele origin: germline.

Natera, Inc.
Classification: Uncertain significance for Ataxia-telangiectasia. Last evaluated: 2020-04-18. Review status: no assertion criteria provided. Collection method: clinical testing. Allele origin: germline. Not counted in ClinVar's aggregate classification.

PreventionGenetics, part of Exact Sciences
Classification: Likely benign for ATM-related condition. Last evaluated: 2019-04-03. Review status: no assertion criteria provided. Collection method: clinical testing. Allele origin: germline. Not counted in ClinVar's aggregate classification.
Comment: This variant is classified as likely benign based on ACMG/AMP sequence variant interpretation guidelines (Richards et al. 2015 PMID: 25741868, with internal and published modifications).

Department of Pathology and Laboratory Medicine, Sinai Health System
Classification: Likely benign for Malignant tumor of breast. Review status: no assertion criteria provided. Collection method: clinical testing. Allele origin: unknown. Affected: yes. Study: The Canadian Open Genetics Repository (COGR). Not counted in ClinVar's aggregate classification.
Comment: The ATM c.5675-4T>A variant was not identified in the literature nor was it identified in the GeneInsight-COGR, Cosmic, or LOVD 3.0 databases. The variant was identified in dbSNP (ID: rs56075338) as "With Uncertain significance allele" and ClinVar (classified as likely benign by Invitae; as uncertain significance by Ambry Genetics, GeneDx, and one other clinical laboratory). The variant was identified in control databases in 48 of 245526 chromosomes (1 homozygous) at a frequency of 0.0002 increasing the likelihood this could be a low frequency benign variant (Genome Aggregation Database Feb 27, 2017). The variant was observed in the following populations: European in 1 of 111308 chromosomes (freq: 0.000009) and South Asian in 47 of 30736 chromosomes (1 homozygous, freq: 0.0015), while the variant was not observed in the African, Other, Latino, Ashkenazi Jewish, East Asian, or Finnish populations. The c.5675-4T>A variant is located in the 3' splice region but does not affect the invariant -1 and -2 positions; positions -3 and -5 to -12 are part of the splicing consensus sequence and variants involving these positions sometimes affect splicing. In silico or computational prediction software programs (SpliceSiteFinder, MaxEntScan, NNSPLICE, GeneSplicer) do not predict a difference in splicing. In summary, based on the above information the clinical significance of this variant cannot be determined with certainty at this time although we would lean towards a more benign role for this variant. This variant is classified as likely benign.

NM_000051.4(ATM):c.5675-4T>A

Gene: ATM (ATM serine/threonine kinase; plus strand). Cytogenetic location: 11q22.3.
Variant type: single nucleotide variant.
Coding change: c.5675-4T>A on transcript NM_000051.4 (MANE Select); 4 bases into the intron before coding-DNA position 5675, T replaced by A.
Molecular consequence: intron variant.
Genome position (GRCh38, 1-based): chr11:108,307,893, T>A. VCF-style: chr11-108307893-T-A. GRCh37 (hg19) VCF-style: chr11-108178620-T-A.
Other names: c.5675-4T>A (NM_001351834.2).
Identifiers: ClinVar variation 215585 (VCV000215585.29), dbSNP rs56075338, ClinGen allele CA336609.
Genomic context (GRCh38, chr11:108,307,893, plus strand): 5'-AAGAAGGAAGAAGGTGTGTAAGCAAGAATGCCTGGGACTGAGGGGAGATATTTTTGTTTG[T>A]CAGAGTCAGAGCACTTTTTCCGATGCTGTTTGGATAAAAAATCACAAAGAACAATGCTTG-3'